The following is an entry in ClinVar:

ClinVar aggregate classification (germline): Likely benign (1 of 4 stars; one submission).

Allele frequency attached by ClinVar (database versions not stated): gnomAD exomes below 0.00001.
gnomAD v4.1: 2 of 1,612,838 alleles (0.00012%); highest among the groups gnomAD compares: South Asian, 0.0022%; no homozygotes.

Submission:

GeneDx
Classification: Likely benign. Last evaluated: 2018-01-25. Review status: criteria provided, single submitter. Criteria: GeneDx Variant Classification (06012015). Collection method: clinical testing. Allele origin: germline. Affected: yes.
Comment: This variant is considered likely benign or benign based on one or more of the following criteria: it is a conservative change, it occurs at a poorly conserved position in the protein, it is predicted to be benign by multiple in silico algorithms, and/or has population frequency not consistent with disease.

NM_001083962.2(TCF4):c.1650-18A>T

Gene: TCF4 (transcription factor 4; minus strand). Cytogenetic location: 18q21.2.
Variant type: single nucleotide variant.
Coding change: c.1650-18A>T on transcript NM_001083962.2 (MANE Select); 18 bases into the intron before coding-DNA position 1650, A replaced by T.
Molecular consequence: intron variant.
Genome position (GRCh38, 1-based): chr18:55,229,094, T>A on the plus strand (A>T on the coding strand, the complement: TCF4 is on the minus strand). VCF-style: chr18-55229094-T-A. GRCh37 (hg19) VCF-style: chr18-52896325-T-A.
Other names: c.1956-18A>T (NM_001243226.3); c.1563-18A>T (NM_001369584.1, NM_001369585.1, NM_001348220.1); c.1575-18A>T (NM_001369576.1, NM_001369577.1, NM_001369578.1 and 3 more transcripts); c.1566-18A>T (NM_001369582.1, NM_001369583.1, NM_001348219.2 and 1 more transcripts); c.1578-18A>T (NM_001243227.2, NM_001369575.1, NM_001348218.2 and 1 more transcripts); c.1581-18A>T (NM_001369586.1); c.1638-18A>T (NM_001369571.1, NM_001369572.1, NM_003199.3); c.1650-18A>T (NM_001369567.1, NM_001369568.1); and 14 more.
Identifiers: ClinVar variation 514942 (VCV000514942.1), dbSNP rs1555711333, ClinGen allele CA658799069.